The following is an entry in ClinVar:

NM_004408.4(DNM1):c.2434G>A (p.Ala812Thr)

Genes: DNM1 (dynamin 1; plus strand), LOC130002699 (ATAC-STARR-seq lymphoblastoid silent region 20333; plus strand). Cytogenetic location: 9q34.11.
Variant type: single nucleotide variant.
Coding change: c.2434G>A on transcript NM_004408.4 (MANE Select); coding-DNA position 2434, G replaced by A.
Protein change: p.Ala812Thr; replaces alanine 812 with threonine.
Molecular consequence: missense variant.
Genome position (GRCh38, 1-based): chr9:128,250,840, G>A. VCF-style: chr9-128250840-G-A. GRCh37 (hg19) VCF-style: chr9-131013119-G-A.
Other names: c.2434G>A, p.Ala812Thr (NM_001005336.3, NM_001288737.2, NM_001288738.2 and 2 more transcripts); short protein forms A812T.
Identifiers: ClinVar variation 2796116 (VCV002796116.3), dbSNP rs1399664504, ClinGen allele CA375001758.

ClinVar aggregate classification (germline): Uncertain significance (1 of 4 stars; one submission).

Conditions:
Developmental and epileptic encephalopathy, 31A. Also called: Epileptic encephalopathy, early infantile, 31; Developmental and epileptic encephalopathy, 31. Identifiers: Orphanet 2382, MedGen C4225357, MONDO:0014598, OMIM 616346.

Allele frequency attached by ClinVar (database versions not stated): gnomAD exomes below 0.00001.
gnomAD v4.1: 1 of 1,304,244 alleles (0.000077%); highest among the groups gnomAD compares: East Asian, 0.0031%; no homozygotes.

Submission:

Labcorp Genetics (formerly Invitae), Labcorp
Classification: Uncertain significance for Developmental and epileptic encephalopathy, 31A. Last evaluated: 2023-03-19. Review status: criteria provided, single submitter. Criteria: Invitae Variant Classification Sherloc (09022015). Collection method: clinical testing. Allele origin: germline.
Comment: This sequence change replaces alanine, which is neutral and non-polar, with threonine, which is neutral and polar, at codon 812 of the DNM1 protein (p.Ala812Thr). The frequency data for this variant in the population databases is considered unreliable, as metrics indicate poor data quality at this position in the gnomAD database. This variant has not been reported in the literature in individuals affected with DNM1-related conditions. Advanced modeling of protein sequence and biophysical properties (such as structural, functional, and spatial information, amino acid conservation, physicochemical variation, residue mobility, and thermodynamic stability) performed at Invitae indicates that this missense variant is not expected to disrupt DNM1 protein function. In summary, the available evidence is currently insufficient to determine the role of this variant in disease. Therefore, it has been classified as a Variant of Uncertain Significance.